The following is an entry in ClinVar:

NM_002839.4(PTPRD):c.2685C>G (p.Leu895=)

Genes: PTPRD (protein tyrosine phosphatase receptor type D; minus strand), LOC126860578 (MED14-independent group 3 enhancer GRCh37_chr9:8485393-8486592; plus strand). Cytogenetic location: 9p24.1.
Variant type: single nucleotide variant.
Coding change: c.2685C>G on transcript NM_002839.4 (MANE Select); coding-DNA position 2685, C replaced by G.
Protein change: p.Leu895=; no amino-acid change (leucine 895 retained).
Molecular consequence: synonymous variant. On other transcripts: intron variant (7).
Genome position (GRCh38, 1-based): chr9:8,486,132, G>C on the plus strand (C>G on the coding strand, the complement: PTPRD is on the minus strand). VCF-style: chr9-8486132-G-C. GRCh37 (hg19) VCF-style: chr9-8486132-G-C.
Other names: c.2685C>G, p.Leu895= (NM_001377958.1, NM_001378058.1); c.1793-808C>G (NM_001171025.2); c.1805-808C>G (NM_001377946.1); c.1814-805C>G (NM_001377947.1); c.1823-808C>G (NM_130391.4, NM_130392.3); c.1814-808C>G (NM_001040712.2); c.1805-805C>G (NM_130393.3).
Identifiers: ClinVar variation 786819 (VCV000786819.28), dbSNP rs144111555, ClinGen allele CA4984030.
Genomic context (GRCh38, chr9:8,486,132, plus strand): 5'-TTCTGGAATGGAAATCTCCTTCACCATCTCCTCCCCAAAGCCCACTTTGTTTCTGGCTGA[G>C]AGCCTGAAGACGTATGATGCTCCCTTGTGGATGTCTGTAGCTGTAAAGTGATCTTCTTTT-3'
Protein context (NP_002830.1, residues 885-905): IHKGASYVFR[Leu895=]SARNKVGFGE

ClinVar aggregate classification (germline): Benign/Likely benign. Review status: criteria provided, multiple submitters, no conflicts (2 of 4 stars). 3 submissions from 3 submitters: Benign (1); Likely benign (1). 1 of the submissions does not count toward it. Last evaluated 2024-01-01.

Conditions:
PTPRD-related disorder. Also called: PTPRD-related condition.

Allele frequency attached by ClinVar (database versions not stated): ESP Exome Variant Server 0.00069; TOPMed 0.00079; 1000 Genomes Project 30x 0.00109; 1000 Genomes Project 0.00140; gnomAD exomes 0.00240 and 0.00350; ExAC 0.00269; gnomAD 0.00334 and 0.00352.
gnomAD v4.1: 3,944 of 1,614,186 alleles (0.24%); highest among the groups gnomAD compares: Non-Finnish European, 0.17%; 38 homozygotes.

Submissions (3):

CeGaT Center for Human Genetics Tuebingen
Classification: Likely benign. Last evaluated: 2024-01-01. Review status: criteria provided, single submitter. Criteria: CeGaT Center For Human Genetics Tuebingen Variant Classification Criteria Version 2. Collection method: clinical testing. Allele origin: germline. Affected: yes. Observed: 2 variant alleles.
Comment: PTPRD: BP4, BP7

Labcorp Genetics (formerly Invitae), Labcorp
Classification: Benign. Last evaluated: 2017-12-05. Review status: criteria provided, single submitter. Criteria: Invitae Variant Classification Sherloc (09022015). Collection method: clinical testing. Allele origin: germline.

PreventionGenetics, part of Exact Sciences
Classification: Benign for PTPRD-related condition. Last evaluated: 2019-04-01. Review status: no assertion criteria provided. Collection method: clinical testing. Allele origin: germline. Not counted in ClinVar's aggregate classification.
Comment: This variant is classified as benign based on ACMG/AMP sequence variant interpretation guidelines (Richards et al. 2015 PMID: 25741868, with internal and published modifications).